The following is an entry in ClinVar:

NM_006767.4(LZTR1):c.507A>T (p.Gly169=)

Gene: LZTR1 (leucine zipper like post translational regulator 1; plus strand). Cytogenetic location: 22q11.21.
Variant type: single nucleotide variant.
Coding change: c.507A>T on transcript NM_006767.4 (MANE Select); coding-DNA position 507, A replaced by T.
Protein change: p.Gly169=; no amino-acid change (glycine 169 retained).
Molecular consequence: synonymous variant.
Genome position (GRCh38, 1-based): chr22:20,988,116, A>T. VCF-style: chr22-20988116-A-T. GRCh37 (hg19) VCF-style: chr22-21342405-A-T.
Other names: c.507A>T (NM_006767.3).
Identifiers: ClinVar variation 3377778 (VCV003377778.3).

ClinVar aggregate classification (germline): Conflicting classifications of pathogenicity. Review status: criteria provided, conflicting classifications (1 of 4 stars). 3 submissions from 3 submitters: Likely pathogenic (1); Uncertain significance (2). Last evaluated 2026-07-10.

Conditions:
Noonan syndrome 10 (NS10). Identifiers: Orphanet 648, MedGen C4225280, MONDO:0014693, OMIM 616564.
Hereditary cancer-predisposing syndrome. Also called: Tumor predisposition; Hereditary Cancer Syndrome; Hereditary neoplastic syndrome; Neoplastic Syndromes, Hereditary. Identifiers: Orphanet 140162, MedGen C0027672, MeSH D009386, MONDO:0015356.
Cardiovascular phenotype. Identifiers: MedGen CN230736.

Submissions (3):

Ambry Genetics
Classification: Likely pathogenic for Cardiovascular phenotype; Hereditary cancer-predisposing syndrome. Last evaluated: 2026-07-10. Review status: criteria provided, single submitter. Criteria: Ambry Variant Classification Scheme 2023. Collection method: clinical testing. Allele origin: germline.
Comment: The c.507A>T variant (also known as p.G169G), located in coding exon 5 of the LZTR1 gene, results from an A to T substitution at nucleotide position 507. This nucleotide substitution does not change the glycine at codon 169. This variant is considered to be rare based on population cohorts in the Genome Aggregation Database (gnomAD). This nucleotide position is poorly conserved in available vertebrate species. In silico splice site analysis predicts that this alteration will weaken the native splice donor site and will result in the creation or strengthening of a novel splice donor site. RNA studies have demonstrated that this variant results in abnormal splicing in the set of samples tested (Ambry internal data). Loss-of-function variants in LZTR1 are related to an increased risk for schwannomas and autosomal recessive Noonan syndrome; however, such associations with autosomal dominant Noonan syndrome have not been observed (Piotrowski A et al. Nat Genet. 2014 Feb;46:182-7; Yamamoto GL et al. J Med Genet. 2015 Jun;52:413-21; Johnston JJ et al. Genet Med. 2018 10;20:1175-1185). Based on the supporting evidence, this variant is likely pathogenic for an increased risk of LZTR1-related schwannomatosis (SWN) and would be expected to cause autosomal recessive Noonan syndrome when present along with a second pathogenic or likely pathogenic variant on the other allele; however, the association of this variant with autosomal dominant Noonan syndrome is unlikely.

Labcorp Genetics (formerly Invitae), Labcorp
Classification: Uncertain significance. Last evaluated: 2025-06-08. Review status: criteria provided, single submitter. Criteria: Invitae Variant Classification Sherloc (09022015). Collection method: clinical testing. Allele origin: germline.
Comment: This sequence change affects codon 169 of the LZTR1 mRNA. It is a 'silent' change, meaning that it does not change the encoded amino acid sequence of the LZTR1 protein. This variant is not present in population databases (gnomAD no frequency). This variant has not been reported in the literature in individuals affected with LZTR1-related conditions. ClinVar contains an entry for this variant (Variation ID: 3377778). Algorithms developed to predict the effect of sequence changes on RNA splicing suggest that this variant may disrupt the consensus splice site. In summary, the available evidence is currently insufficient to determine the role of this variant in disease. Therefore, it has been classified as a Variant of Uncertain Significance.

St. Jude Molecular Pathology, St. Jude Children's Research Hospital
Classification: Uncertain significance for Noonan syndrome 10. Last evaluated: 2023-12-13. Review status: criteria provided, single submitter. Criteria: St. Jude Assertion Criteria 2020. Collection method: clinical testing. Allele origin: germline.
Comment: The LZTR1 c.507A>T (p.Gly169=) synonymous change is absent in gnomAD v2.1.1. Algorithms that predict the impact of sequence changes on splicing indicate that this change may impact splicing, but to our knowledge these predictions have not been confirmed by RNA studies. To our knowledge, this variant has not been reported in the literature in individuals with LZTR1-related disease. In summary, the evidence currently available is insufficient to determine the clinical significance of this variant. It has therefore been classified as of uncertain significance.